The following is an entry in ClinVar:

NM_004984.4(KIF5A):c.1216G>A (p.Val406Met)

Gene: KIF5A (kinesin family member 5A; plus strand). Cytogenetic location: 12q13.3.
Variant type: single nucleotide variant.
Coding change: c.1216G>A on transcript NM_004984.4 (MANE Select); coding-DNA position 1216, G replaced by A.
Protein change: p.Val406Met; replaces valine 406 with methionine.
Molecular consequence: missense variant.
Genome position (GRCh38, 1-based): chr12:57,570,085, G>A. VCF-style: chr12-57570085-G-A. GRCh37 (hg19) VCF-style: chr12-57963868-G-A.
Other names: c.1216G>A (NM_004984.2); c.949G>A, p.Val317Met (NM_001354705.2); short protein forms V406M, V317M.
Identifiers: ClinVar variation 2079119 (VCV002079119.6), dbSNP rs773924317, ClinGen allele CA6652788.

ClinVar aggregate classification (germline): Uncertain significance. Review status: criteria provided, multiple submitters, no conflicts (2 of 4 stars). 3 submissions from 3 submitters: Uncertain significance (3). Last evaluated 2025-04-02.

Conditions:
Spastic paraplegia. Identifiers: MedGen C0037772, HP:0001258.
KIF5A-related disorder. Also called: KIF5A-related condition; KIF5A-related disorders.

Allele frequency attached by ClinVar (database versions not stated): gnomAD exomes below 0.00001; ExAC 0.00001; TOPMed 0.00002; gnomAD 0.00003.
gnomAD v4.1: 10 of 1,614,084 alleles (0.00062%); highest among the groups gnomAD compares: African/African-American, 0.0027%; no homozygotes.

Submissions (3):

Labcorp Genetics (formerly Invitae), Labcorp
Classification: Uncertain significance for Spastic paraplegia. Last evaluated: 2025-04-02. Review status: criteria provided, single submitter. Criteria: Invitae Variant Classification Sherloc (09022015). Collection method: clinical testing. Allele origin: germline.
Comment: This sequence change replaces valine, which is neutral and non-polar, with methionine, which is neutral and non-polar, at codon 406 of the KIF5A protein (p.Val406Met). This variant is present in population databases (rs773924317, gnomAD 0.002%). This variant has not been reported in the literature in individuals affected with KIF5A-related conditions. ClinVar contains an entry for this variant (Variation ID: 2079119). Invitae Evidence Modeling of protein sequence and biophysical properties (such as structural, functional, and spatial information, amino acid conservation, physicochemical variation, residue mobility, and thermodynamic stability) has been performed for this missense variant. However, the output from this modeling did not meet the statistical confidence thresholds required to predict the impact of this variant on KIF5A protein function. In summary, the available evidence is currently insufficient to determine the role of this variant in disease. Therefore, it has been classified as a Variant of Uncertain Significance.

PreventionGenetics, part of Exact Sciences
Classification: Uncertain significance for KIF5A-related condition. Last evaluated: 2023-07-19. Review status: criteria provided, single submitter. Criteria: ACMG Guidelines, 2015. Collection method: clinical testing. Allele origin: germline.
Comment: The KIF5A c.1216G>A variant is predicted to result in the amino acid substitution p.Val406Met. To our knowledge, this variant has not been reported in the literature. This variant is reported in 0.0018% of alleles in individuals of European (Non-Finnish) descent in gnomAD. At this time, the clinical significance of this variant is uncertain due to the absence of conclusive functional and genetic evidence.

Blueprint Genetics
Classification: Uncertain significance. Last evaluated: 2022-08-19. Review status: criteria provided, single submitter. Criteria: ACMG Guidelines, 2015. Collection method: clinical testing. Allele origin: germline.